The following is an entry in ClinVar:

ClinVar aggregate classification (germline): Uncertain significance (1 of 4 stars; one submission).

Submission:

Ambry Genetics
Classification: Uncertain significance. Last evaluated: 2024-08-26. Review status: criteria provided, single submitter. Criteria: Ambry Variant Classification Scheme 2023. Collection method: clinical testing. Allele origin: germline.
Comment: The p.A489V variant (also known as c.1466C>T), located in coding exon 13 of the RAD54L gene, results from a C to T substitution at nucleotide position 1466. The alanine at codon 489 is replaced by valine, an amino acid with similar properties. This amino acid position is conserved. In addition, this alteration is predicted to be tolerated by in silico analysis. Based on the available evidence, the clinical significance of this variant remains unclear.

NM_003579.4(RAD54L):c.1466C>T (p.Ala489Val)

Gene: RAD54L (RAD54 like; plus strand). Cytogenetic location: 1p34.1.
Variant type: single nucleotide variant.
Coding change: c.1466C>T on transcript NM_003579.4 (MANE Select); coding-DNA position 1466, C replaced by T.
Protein change: p.Ala489Val; replaces alanine 489 with valine.
Molecular consequence: missense variant.
Genome position (GRCh38, 1-based): chr1:46,273,445, C>T. VCF-style: chr1-46273445-C-T. GRCh37 (hg19) VCF-style: chr1-46739117-C-T.
Other names: c.1466C>T, p.Ala489Val (NM_001142548.2); c.926C>T, p.Ala309Val (NM_001370766.1); short protein forms A309V, A489V.
Identifiers: ClinVar variation 3429811 (VCV003429811.1).